The following is an entry in ClinVar:

NM_000095.3(COMP):c.217+4A>G

Gene: COMP (cartilage oligomeric matrix protein; minus strand). Cytogenetic location: 19p13.11.
Variant type: single nucleotide variant.
Coding change: c.217+4A>G on transcript NM_000095.3 (MANE Select); 4 bases into the intron after coding-DNA position 217, A replaced by G.
Molecular consequence: intron variant.
Genome position (GRCh38, 1-based): chr19:18,790,558, T>C on the plus strand (A>G on the coding strand, the complement: COMP is on the minus strand). VCF-style: chr19-18790558-T-C. GRCh37 (hg19) VCF-style: chr19-18901367-T-C.
Identifiers: ClinVar variation 1702393 (VCV001702393.4), dbSNP rs779140776, ClinGen allele CA9316801.

ClinVar aggregate classification (germline): Uncertain significance. Review status: criteria provided, multiple submitters, no conflicts (2 of 4 stars). 2 submissions from 2 submitters: Uncertain significance (2). Last evaluated 2025-03-31.

Conditions:
Connective tissue disorder. Also called: Connective tissue disease. Identifiers: MedGen C0009782, MONDO:0003900.

Allele frequency attached by ClinVar (database versions not stated): gnomAD 0.00001; gnomAD exomes 0.00001 and 0.00002; ExAC 0.00003.
gnomAD v4.1: 17 of 1,613,594 alleles (0.0011%); highest among the groups gnomAD compares: South Asian, 0.018%; 1 homozygote.

Submissions (2):

Labcorp Genetics (formerly Invitae), Labcorp
Classification: Uncertain significance. Last evaluated: 2025-03-31. Review status: criteria provided, single submitter. Criteria: Invitae Variant Classification Sherloc (09022015). Collection method: clinical testing. Allele origin: germline.
Comment: This sequence change falls in intron 3 of the COMP gene. It does not directly change the encoded amino acid sequence of the COMP protein. It affects a nucleotide within the consensus splice site. This variant is present in population databases (rs779140776, gnomAD 0.01%). This variant has not been reported in the literature in individuals affected with COMP-related conditions. ClinVar contains an entry for this variant (Variation ID: 1702393). Variants that disrupt the consensus splice site are a relatively common cause of aberrant splicing (PMID: 17576681, 9536098). Algorithms developed to predict the effect of sequence changes on RNA splicing suggest that this variant may disrupt the consensus splice site. In summary, the available evidence is currently insufficient to determine the role of this variant in disease. Therefore, it has been classified as a Variant of Uncertain Significance.

Genome Diagnostics Laboratory, The Hospital for Sick Children
Classification: Uncertain significance for Connective tissue disorder. Last evaluated: 2020-03-01. Review status: criteria provided, single submitter. Criteria: ACMG Guidelines, 2015. Collection method: clinical testing. Allele origin: germline.

Literature cited by the submitters: PubMed 17576681 (cited by Labcorp Genetics (formerly Invitae), Labcorp); PubMed 9536098 (cited by Labcorp Genetics (formerly Invitae), Labcorp).